The following is an entry in ClinVar:

NM_001387283.1(SMARCA4):c.4252A>G (p.Thr1418Ala)

Gene: SMARCA4 (SWI/SNF related BAF chromatin remodeling complex subunit ATPase 4; plus strand). Cytogenetic location: 19p13.2.
Variant type: single nucleotide variant.
Coding change: c.4252A>G on transcript NM_001387283.1 (MANE Plus Clinical); coding-DNA position 4252, A replaced by G.
Protein change: p.Thr1418Ala; replaces threonine 1418 with alanine.
Molecular consequence: missense variant. On other transcripts: intron variant (7).
Genome position (GRCh38, 1-based): chr19:11,039,539, A>G. VCF-style: chr19-11039539-A-G. GRCh37 (hg19) VCF-style: chr19-11150215-A-G.
Other names: c.4252A>G, p.Thr1418Ala (NM_001128849.3); c.4153A>G, p.Thr1385Ala (NM_001411150.1); c.4171-1768A>G (NM_001128844.3, NM_003072.5); c.4072-1768A>G (NM_001128847.4, NM_001374457.1, NM_001128848.2); c.4072-1759A>G (NM_001128845.2, NM_001128846.2); short protein forms T1418A, T1385A.
Identifiers: ClinVar variation 2232085 (VCV002232085.4), dbSNP rs2075457834, ClinGen allele CA404071830.

ClinVar aggregate classification (germline): Uncertain significance. Review status: criteria provided, multiple submitters, no conflicts (2 of 4 stars). 2 submissions from 2 submitters: Uncertain significance (2). Last evaluated 2026-07-07.

Conditions:
Rhabdoid tumor predisposition syndrome 2 (RTPS2). Identifiers: Orphanet 231108, Orphanet 69077, MedGen C2750074, MONDO:0013224, OMIM 613325.
Hereditary cancer-predisposing syndrome. Also called: Neoplastic Syndromes, Hereditary; Tumor predisposition; Hereditary neoplastic syndrome; Hereditary Cancer Syndrome. Identifiers: Orphanet 140162, MedGen C0027672, MeSH D009386, MONDO:0015356.

Allele frequency attached by ClinVar (database versions not stated): gnomAD exomes below 0.00001.
gnomAD v4.1: 1 of 1,599,508 alleles (0.000063%); highest among the groups gnomAD compares: Non-Finnish European, 0.000085%; no homozygotes.

Submissions (2):

Ambry Genetics
Classification: Uncertain significance for Hereditary cancer-predisposing syndrome. Last evaluated: 2026-07-07. Review status: criteria provided, single submitter. Criteria: Ambry Variant Classification Scheme 2023. Collection method: clinical testing. Allele origin: germline.
Comment: The p.T1418A variant (also known as c.4252A>G), located in coding exon 29 of the SMARCA4 gene, results from an A to G substitution at nucleotide position 4252. The threonine at codon 1418 is replaced by alanine, an amino acid with similar properties. This amino acid position is conserved. In addition, this alteration is predicted to be tolerated by in silico analysis. Based on the available evidence, the clinical significance of this variant remains unclear.

Labcorp Genetics (formerly Invitae), Labcorp
Classification: Uncertain significance for Rhabdoid tumor predisposition syndrome 2. Last evaluated: 2025-09-10. Review status: criteria provided, single submitter. Criteria: Invitae Variant Classification Sherloc (09022015). Collection method: clinical testing. Allele origin: germline.
Comment: This sequence change replaces threonine, which is neutral and polar, with alanine, which is neutral and non-polar, at codon 1418 of the SMARCA4 protein (p.Thr1418Ala). This variant is not present in population databases (gnomAD no frequency). This variant has not been reported in the literature in individuals affected with SMARCA4-related conditions. ClinVar contains an entry for this variant (Variation ID: 2232085). An algorithm developed to predict the effect of missense changes on protein structure and function (PolyPhen-2) suggests that this variant is likely to be tolerated. In summary, the available evidence is currently insufficient to determine the role of this variant in disease. Therefore, it has been classified as a Variant of Uncertain Significance.